The following is an entry in ClinVar:

ClinVar aggregate classification (germline): Conflicting classifications of pathogenicity. Review status: criteria provided, conflicting classifications (1 of 4 stars). 3 submissions from 3 submitters: Uncertain significance (2); Likely benign (1). Last evaluated 2025-09-24.

Conditions:
Hereditary nonpolyposis colorectal neoplasms. Identifiers: MedGen C0009405, MeSH D003123.
Hereditary cancer-predisposing syndrome. Also called: Tumor predisposition; Hereditary Cancer Syndrome; Neoplastic Syndromes, Hereditary; Hereditary neoplastic syndrome. Identifiers: Orphanet 140162, MedGen C0027672, MeSH D009386, MONDO:0015356.

Submissions (3):

Ambry Genetics
Classification: Likely benign for Hereditary cancer-predisposing syndrome. Last evaluated: 2025-09-24. Review status: criteria provided, single submitter. Criteria: Ambry Variant Classification Scheme 2023. Collection method: clinical testing. Allele origin: germline.

Labcorp Genetics (formerly Invitae), Labcorp
Classification: Uncertain significance for Hereditary nonpolyposis colorectal neoplasms. Last evaluated: 2023-09-01. Review status: criteria provided, single submitter. Criteria: Invitae Variant Classification Sherloc (09022015). Collection method: clinical testing. Allele origin: germline.
Comment: This sequence change replaces threonine, which is neutral and polar, with proline, which is neutral and non-polar, at codon 597 of the PMS2 protein (p.Thr597Pro). This variant is not present in population databases (gnomAD no frequency). This variant has not been reported in the literature in individuals affected with PMS2-related conditions. ClinVar contains an entry for this variant (Variation ID: 1332401). Advanced modeling of protein sequence and biophysical properties (such as structural, functional, and spatial information, amino acid conservation, physicochemical variation, residue mobility, and thermodynamic stability) performed at Invitae indicates that this missense variant is not expected to disrupt PMS2 protein function. In summary, the available evidence is currently insufficient to determine the role of this variant in disease. Therefore, it has been classified as a Variant of Uncertain Significance.

Color Diagnostics, LLC DBA Color Health
Classification: Uncertain significance for Hereditary cancer-predisposing syndrome. Last evaluated: 2021-04-05. Review status: criteria provided, single submitter. Criteria: ACMG Guidelines, 2015. Collection method: clinical testing. Allele origin: germline.
Comment: This missense variant replaces threonine with proline at codon 597 of the PMS2 protein. Computational prediction suggests that this variant may not impact protein structure and function (internally defined REVEL score threshold <= 0.5, PMID: 27666373). To our knowledge, functional studies have not been reported for this variant. This variant has not been reported in individuals affected with hereditary cancer in the literature. This variant has not been identified in the general population by the Genome Aggregation Database (gnomAD). The available evidence is insufficient to determine the role of this variant in disease conclusively. Therefore, this variant is classified as a Variant of Uncertain Significance.

NM_000535.7(PMS2):c.1789A>C (p.Thr597Pro)

Gene: PMS2 (PMS1 homolog 2, mismatch repair system component; minus strand). Cytogenetic location: 7p22.1.
Variant type: single nucleotide variant.
Coding change: c.1789A>C on transcript NM_000535.7 (MANE Select); coding-DNA position 1789, A replaced by C.
Protein change: p.Thr597Pro; replaces threonine 597 with proline.
Molecular consequence: missense variant. On other transcripts: non-coding transcript variant (1).
Genome position (GRCh38, 1-based): chr7:5,986,976, T>G on the plus strand (A>C on the coding strand, the complement: PMS2 is on the minus strand). VCF-style: chr7-5986976-T-G. GRCh37 (hg19) VCF-style: chr7-6026607-T-G.
Other names: c.1384A>C, p.Thr462Pro (NM_001322003.2, NM_001322004.2, NM_001322005.2 and 1 more transcripts); c.1633A>C, p.Thr545Pro (NM_001322006.2); c.1471A>C, p.Thr491Pro (NM_001322007.2, NM_001322008.2); c.1228A>C, p.Thr410Pro (NM_001322010.2); c.856A>C, p.Thr286Pro (NM_001322011.2, NM_001322012.2); c.1216A>C, p.Thr406Pro (NM_001322013.2); c.1789A>C, p.Thr597Pro (NM_001322014.2); c.1480A>C, p.Thr494Pro (NM_001322015.2); short protein forms T286P, T406P, T410P, T462P, T491P, T494P, T545P, T597P.
Identifiers: ClinVar variation 1332401 (VCV001332401.14), dbSNP rs1805318, ClinGen allele CA366739848.